The following is an entry in ClinVar:

NM_001005242.3(PKP2):c.-9_12dup (p.Pro4_Gly5insThrGlyProMetAlaAlaPro)

Gene: PKP2 (plakophilin 2; minus strand). Cytogenetic location: 12p11.21.
Variant type: Duplication.
Coding change: c.-9_12dup on transcript NM_001005242.3 (MANE Select); 9 bases upstream of the start codon through coding-DNA position 12, 21 bases duplicated (ACCGGCCCCATGGCAGCCCCC).
Protein change: p.Pro4_Gly5insThrGlyProMetAlaAlaPro.
Molecular consequence: inframe insertion, initiator codon variant.
Genome position (GRCh38, 1-based): chr12:32,896,720-32,896,740, GGGGGCTGCCATGGGGCCGGT duplicated on the plus strand (ACCGGCCCCATGGCAGCCCCC on the coding strand, the reverse complement: PKP2 is on the minus strand); duplicating any 21 consecutive bases within chr12:32,896,720-32,896,746 gives the same sequence; the c. name uses the placement nearest the transcript's 3' end. VCF-style (leftmost placement, unchanged base first): chr12-32896719-C-CGGGGGCTGCCATGGGGCCGGT. GRCh37 (hg19) VCF-style: chr12-33049653-C-CGGGGGCTGCCATGGGGCCGGT.
Other names: c.-9_12dup, p.Pro4_Gly5insThrGlyProMetAlaAlaPro (NM_004572.4); c.-9_12dup21 (NM_004572.3).
Identifiers: ClinVar variation 652448 (VCV000652448.20), dbSNP rs770443705, ClinGen allele CA6508313.

ClinVar aggregate classification (germline): Uncertain significance. Review status: criteria provided, multiple submitters, no conflicts (2 of 4 stars). 7 submissions from 7 submitters: Uncertain significance (7). Last evaluated 2025-11-19.

Conditions:
Cardiovascular phenotype. Identifiers: MedGen CN230736.
Arrhythmogenic right ventricular dysplasia 9 (ARVD9). Also called: Arrhythmogenic Right Ventricular Dysplasia/Cardiomyopathy 9; ARRHYTHMOGENIC RIGHT VENTRICULAR DYSPLASIA, FAMILIAL, 9. Identifiers: MedGen C1836906, MONDO:0012180, OMIM 609040.
Cardiomyopathy (CMYO). Also called: Cardiomyopathies. Identifiers: Orphanet 167848, MedGen C0878544, MONDO:0004994, HP:0001638. Inheritance: Various modes of inheritance.

Submissions (7):

Labcorp Genetics (formerly Invitae), Labcorp
Classification: Uncertain significance for Arrhythmogenic right ventricular dysplasia 9. Last evaluated: 2025-11-19. Review status: criteria provided, single submitter. Criteria: Invitae Variant Classification Sherloc (09022015). Collection method: clinical testing. Allele origin: germline.
Comment: This variant occurs in a non-coding region of the PKP2 gene. It does not change the encoded amino acid sequence of the PKP2 protein. This variant is present in population databases (rs770443705, gnomAD 0.01%). This variant has not been reported in the literature in individuals affected with PKP2-related conditions. ClinVar contains an entry for this variant (Variation ID: 652448). In summary, the available evidence is currently insufficient to determine the role of this variant in disease. Therefore, it has been classified as a Variant of Uncertain Significance.

Ambry Genetics
Classification: Uncertain significance for Cardiovascular phenotype. Last evaluated: 2025-05-29. Review status: criteria provided, single submitter. Criteria: Ambry Variant Classification Scheme 2023. Collection method: clinical testing. Allele origin: germline.
Comment: The c.-9_12dup21 variant results from a duplication of 21 nucleotides at nucleotide positions c.-9 to c.12. This results in the duplication of 9 nucleotides in the 5' untranslated region (UTR) and the first 12 nucleotides, including the methionine residue at the initiation codon (ATG), of coding exon 1 of the PKP2 gene. This nucleotide region is not well conserved in available vertebrate species. Variations that modify the initiation codon (ATG) are expected to result in either loss of translation initiation, N-terminal truncation, or cause a shift in the mRNA reading frame. However, it is unknown whether the duplicated material impacts protein sequence or otherwise affects transcriptional/translational regulatory elements. Since supporting evidence is limited at this time, the clinical significance of this alteration remains unclear.

Color Diagnostics, LLC DBA Color Health
Classification: Uncertain significance for Cardiomyopathy. Last evaluated: 2023-06-01. Review status: criteria provided, single submitter. Criteria: ACMG Guidelines, 2015. Collection method: clinical testing. Allele origin: germline.
Comment: This variant causes an insertion of 7 new amino acids between codons 4 and 5 of the PKP2 protein. To our knowledge, functional studies have not been reported for this variant. This variant has not been reported in individuals affected with PKP2-related disorders in the literature. This variant has been identified in 1/111234 chromosomes in the general population by the Genome Aggregation Database (gnomAD). The available evidence is insufficient to determine the role of this variant in disease conclusively. Therefore, this variant is classified as a Variant of Uncertain Significance.

Fulgent Genetics
Classification: Uncertain significance for Arrhythmogenic right ventricular dysplasia 9. Last evaluated: 2022-02-11. Review status: criteria provided, single submitter. Criteria: ACMG Guidelines, 2015. Collection method: clinical testing. Allele origin: unknown.

AiLife Diagnostics
Classification: Uncertain significance. Last evaluated: 2022-02-01. Review status: criteria provided, single submitter. Criteria: ACMG Guidelines, 2015. Collection method: clinical testing. Allele origin: germline. Affected: yes. Observed: 1 variant allele.

Women's Health and Genetics/Laboratory Corporation of America, LabCorp
Classification: Uncertain significance. Last evaluated: 2021-03-01. Review status: criteria provided, single submitter. Criteria: LabCorp Variant Classification Summary - May 2015. Collection method: clinical testing. Allele origin: germline.
Comment: Variant summary: PKP2 c.-9_12dup21 involves the duplication of 21 nucleotides, resulting in the insertion of 7 amino acids in the PKP2 protein. The variant allele was found at a frequency of 9e-06 in 111234 control chromosomes (gnomAD). To our knowledge, no occurrence of c.-9_12dup21 in individuals affected with Arrhythmogenic Right Ventricular Dysplasia/Cardiomyopathy and no experimental evidence demonstrating its impact on protein function have been reported. Two other clinical diagnostic laboratories have submitted clinical-significance assessments for this variant to ClinVar after 2014 without evidence for independent evaluation. Both laboratories cited the variant as uncertain significance. Based on the evidence outlined above, the variant was classified as uncertain significance.

GeneDx
Classification: Uncertain significance. Last evaluated: 2020-04-23. Review status: criteria provided, single submitter. Criteria: GeneDx Variant Classification Process June 2021. Collection method: clinical testing. Allele origin: germline. Affected: yes.
Comment: Has not been previously published as pathogenic or benign to our knowledge; Reported in ClinVar as a variant of uncertain significance (ClinVar Variant ID# 652448; Landrum et al., 2016); Not observed at a significant frequency in large population cohorts (Lek et al., 2016); In-frame insertion of seven amino acids in a non-repeat region; In silico analysis supports that this variant does not alter protein structure/function